The following is an entry in ClinVar:

ClinVar aggregate classification (germline): Likely pathogenic. Review status: criteria provided, single submitter (1 of 4 stars). 2 submissions from 2 submitters: Likely pathogenic (1). 1 of the submissions does not count toward it. Last evaluated 2023-08-20.

Conditions:
Walker-Warburg congenital muscular dystrophy. Also called: Muscular dystrophy-dystroglycanopathy, type A; Walker-Warburg syndrome. Identifiers: Orphanet 899, MedGen C0265221, MONDO:0000171.
Autosomal recessive limb-girdle muscular dystrophy type 2I. Also called: MUSCULAR DYSTROPHY, LIMB-GIRDLE, TYPE 2I; MUSCULAR DYSTROPHY-DYSTROGLYCANOPATHY (LIMB-GIRDLE), TYPE C, 5; MUSCULAR DYSTROPHY-DYSTROGLYCANOPATHY, LIMB-GIRDLE, FRKP-RELATED. Identifiers: Orphanet 34515, MedGen C1846672, MONDO:0011787, OMIM 607155.

Submissions (2):

Labcorp Genetics (formerly Invitae), Labcorp
Classification: Likely pathogenic for Walker-Warburg congenital muscular dystrophy. Last evaluated: 2023-08-20. Review status: criteria provided, single submitter. Criteria: Invitae Variant Classification Sherloc (09022015). Collection method: clinical testing. Allele origin: germline.
Comment: This sequence change replaces proline, which is neutral and non-polar, with alanine, which is neutral and non-polar, at codon 316 of the FKRP protein (p.Pro316Ala). This variant is not present in population databases (gnomAD no frequency). This variant has not been reported in the literature in individuals affected with FKRP-related conditions. ClinVar contains an entry for this variant (Variation ID: 1026650). Advanced modeling of protein sequence and biophysical properties (such as structural, functional, and spatial information, amino acid conservation, physicochemical variation, residue mobility, and thermodynamic stability) performed at Invitae indicates that this missense variant is expected to disrupt FKRP protein function. This variant disrupts the p.Pro316 amino acid residue in FKRP. Other variant(s) that disrupt this residue have been determined to be pathogenic (PMID: 11592034, 11741828, 16368217, 25135358). This suggests that this residue is clinically significant, and that variants that disrupt this residue are likely to be disease-causing. In summary, the currently available evidence indicates that the variant is pathogenic, but additional data are needed to prove that conclusively. Therefore, this variant has been classified as Likely Pathogenic.

Natera, Inc.
Classification: Uncertain significance for Limb-girdle muscular dystrophy type 2I. Last evaluated: 2021-04-02. Review status: no assertion criteria provided. Collection method: clinical testing. Allele origin: germline. Not counted in ClinVar's aggregate classification.

Literature cited by the submitters: PubMed 11592034 (cited by Labcorp Genetics (formerly Invitae), Labcorp); PubMed 11741828 (cited by Labcorp Genetics (formerly Invitae), Labcorp); PubMed 16368217 (cited by Labcorp Genetics (formerly Invitae), Labcorp); PubMed 25135358 (cited by Labcorp Genetics (formerly Invitae), Labcorp).

NM_024301.5(FKRP):c.946C>G (p.Pro316Ala)

Gene: FKRP (fukutin related protein; plus strand). Cytogenetic location: 19q13.32.
Variant type: single nucleotide variant.
Coding change: c.946C>G on transcript NM_024301.5 (MANE Select); coding-DNA position 946, C replaced by G.
Protein change: p.Pro316Ala; replaces proline 316 with alanine.
Molecular consequence: missense variant.
Genome position (GRCh38, 1-based): chr19:46,756,396, C>G. VCF-style: chr19-46756396-C-G. GRCh37 (hg19) VCF-style: chr19-47259653-C-G.
Other names: c.946C>G, p.Pro316Ala (NM_001039885.3); short protein forms P316A.
Identifiers: ClinVar variation 1026650 (VCV001026650.8), dbSNP rs28937901, ClinGen allele CA406496337.